The following is an entry in ClinVar:

ClinVar aggregate classification (germline): Uncertain significance. Review status: criteria provided, multiple submitters, no conflicts (2 of 4 stars). 2 submissions from 2 submitters: Uncertain significance (2). Last evaluated 2023-12-15.

Conditions:
Inborn genetic diseases. Identifiers: MedGen C0950123, MeSH D030342.
Nemaline myopathy 9 (NEM9). Identifiers: MedGen C3810384, MONDO:0014326, OMIM 615731.

Allele frequency attached by ClinVar (database versions not stated): TOPMed 0.00002; gnomAD exomes 0.00003 and 0.00004; gnomAD 0.00004 and 0.00005; ExAC 0.00005.
gnomAD v4.1: 68 of 1,612,174 alleles (0.0042%); highest among the groups gnomAD compares: South Asian, 0.022%; no homozygotes.

Submissions (2):

Ambry Genetics
Classification: Uncertain significance for Inborn genetic diseases. Last evaluated: 2023-12-15. Review status: criteria provided, single submitter. Criteria: Ambry Variant Classification Scheme 2023. Collection method: clinical testing. Allele origin: germline.

Labcorp Genetics (formerly Invitae), Labcorp
Classification: Uncertain significance for Nemaline myopathy 9. Last evaluated: 2022-02-02. Review status: criteria provided, single submitter. Criteria: Invitae Variant Classification Sherloc (09022015). Collection method: clinical testing. Allele origin: germline.
Comment: In summary, the available evidence is currently insufficient to determine the role of this variant in disease. Therefore, it has been classified as a Variant of Uncertain Significance. Algorithms developed to predict the effect of missense changes on protein structure and function are either unavailable or do not agree on the potential impact of this missense change (SIFT: "Deleterious"; PolyPhen-2: "Benign"; Align-GVGD: "Class C0"). ClinVar contains an entry for this variant (Variation ID: 1051618). This variant has not been reported in the literature in individuals affected with KLHL41-related conditions. This variant is present in population databases (rs766504219, gnomAD 0.01%). This sequence change replaces lysine, which is basic and polar, with glutamic acid, which is acidic and polar, at codon 70 of the KLHL41 protein (p.Lys70Glu).

NM_006063.3(KLHL41):c.208A>G (p.Lys70Glu)

Gene: KLHL41 (kelch like family member 41; plus strand). Cytogenetic location: 2q31.1.
Variant type: single nucleotide variant.
Coding change: c.208A>G on transcript NM_006063.3 (MANE Select); coding-DNA position 208, A replaced by G.
Protein change: p.Lys70Glu; replaces lysine 70 with glutamic acid.
Molecular consequence: missense variant.
Genome position (GRCh38, 1-based): chr2:169,509,986, A>G. VCF-style: chr2-169509986-A-G. GRCh37 (hg19) VCF-style: chr2-170366496-A-G.
Other names: c.208A>G (NM_006063.2); short protein forms K70E.
Identifiers: ClinVar variation 1051618 (VCV001051618.9), dbSNP rs766504219, ClinGen allele CA1956466.